The following is an entry in ClinVar:

NM_018344.6(SLC29A3):c.1137C>T (p.Leu379=)

Gene: SLC29A3 (solute carrier family 29 member 3; plus strand). Cytogenetic location: 10q22.1.
Variant type: single nucleotide variant.
Coding change: c.1137C>T on transcript NM_018344.6 (MANE Select); coding-DNA position 1137, C replaced by T.
Protein change: p.Leu379=; no amino-acid change (leucine 379 retained).
Molecular consequence: synonymous variant. On other transcripts: 3 prime UTR variant (1), non-coding transcript variant (2).
Genome position (GRCh38, 1-based): chr10:71,362,317, C>T. VCF-style: chr10-71362317-C-T. GRCh37 (hg19) VCF-style: chr10-73122074-C-T.
Other names: c.*366C>T (NM_001174098.2); c.903C>T, p.Leu301= (NM_001363518.2).
Identifiers: ClinVar variation 721830 (VCV000721830.16), dbSNP rs115006556, ClinGen allele CA5543126.

ClinVar aggregate classification (germline): Benign/Likely benign. Review status: criteria provided, multiple submitters, no conflicts (2 of 4 stars). 3 submissions from 3 submitters: Benign (1); Likely benign (2). Last evaluated 2026-01-27.

Conditions:
H syndrome. Also called: FAISALABAD HISTIOCYTOSIS; HISTIOCYTOSIS AND LYMPHADENOPATHY WITH OR WITHOUT CUTANEOUS, CARDIAC, AND/OR ENDOCRINE FEATURES, JOINT CONTRACTURES, AND/OR DEAFNESS; HYPERPIGMENTATION, CUTANEOUS, WITH HYPERTRICHOSIS, HEPATOSPLENOMEGALY, HEART ANOMALIES, AND HYPOGONADISM WITH OR WITHOUT HEARING LOSS; PIGMENTED HYPERTRICHOSIS WITH INSULIN-DEPENDENT DIABETES MELLITUS; ROSAI-DORFMAN DISEASE, FAMILIAL; SINUS HISTIOCYTOSIS AND MASSIVE LYMPHADENOPATHY. Identifiers: Orphanet 168569, MedGen C1864445, MONDO:0011273, OMIM 602782.

Allele frequency attached by ClinVar (database versions not stated): gnomAD exomes 0.00026 and 0.00068; ExAC 0.00079; ESP Exome Variant Server 0.00261; gnomAD 0.00267 and 0.00287; TOPMed 0.00280; 1000 Genomes Project 0.00359; 1000 Genomes Project 30x 0.00375.
gnomAD v4.1: 802 of 1,614,166 alleles (0.05%); highest among the groups gnomAD compares: African/African-American, 0.97%; 5 homozygotes.

Submissions (3):

Labcorp Genetics (formerly Invitae), Labcorp
Classification: Benign for H syndrome. Last evaluated: 2026-01-27. Review status: criteria provided, single submitter. Criteria: Invitae Variant Classification Sherloc (09022015). Collection method: clinical testing. Allele origin: germline.

CeGaT Center for Human Genetics Tuebingen
Classification: Likely benign. Last evaluated: 2026-01-01. Review status: criteria provided, single submitter. Criteria: CeGaT Center For Human Genetics Tuebingen Variant Classification Criteria Version 2. Collection method: clinical testing. Allele origin: germline. Affected: yes. Observed: 1 variant allele.
Comment: SLC29A3: BP4, BP7

Blueprint Genetics
Classification: Likely benign. Last evaluated: 2024-10-22. Review status: criteria provided, single submitter. Criteria: ACMG Guidelines, 2015. Collection method: clinical testing. Allele origin: germline.